The following is an entry in ClinVar:

ClinVar aggregate classification (germline): Uncertain significance (1 of 4 stars; one submission).

Conditions:
ABCG2-related disorder. Also called: ABCG2-related condition.

gnomAD v4.1: 8 of 1,614,066 alleles (0.0005%); highest among the groups gnomAD compares: East Asian, 0.013%; no homozygotes.

Submission:

PreventionGenetics, part of Exact Sciences
Classification: Uncertain significance for ABCG2-related condition. Last evaluated: 2024-11-25. Review status: criteria provided, single submitter. Criteria: ACMG Guidelines, 2015. Collection method: clinical testing. Allele origin: germline.
Comment: The ABCG2 c.588A>G variant is predicted to result in the amino acid substitution p.Ile196Met. To our knowledge, this variant has not been reported in the literature. This variant is reported in 0.038% of alleles in individuals of East Asian descent in gnomAD. Of note, a different variant impacting the same amino acid (p.Ile196Leu) was reported in patients from an intrahepatic cholestasis of pregnancy cohort (Liu et al. 2022. PubMed ID: 36046230). At this time, the clinical significance of the c.588A>G (p.Ile196Met) variant is uncertain due to the absence of conclusive functional and genetic evidence.

NM_004827.3(ABCG2):c.588A>G (p.Ile196Met)

Gene: ABCG2 (ATP binding cassette subfamily G member 2 (JR blood group); minus strand). Cytogenetic location: 4q22.1.
Variant type: single nucleotide variant.
Coding change: c.588A>G on transcript NM_004827.3 (MANE Select); coding-DNA position 588, A replaced by G.
Protein change: p.Ile196Met; replaces isoleucine 196 with methionine.
Molecular consequence: missense variant.
Genome position (GRCh38, 1-based): chr4:88,121,736, T>C on the plus strand (A>G on the coding strand, the complement: ABCG2 is on the minus strand). VCF-style: chr4-88121736-T-C. GRCh37 (hg19) VCF-style: chr4-89042888-T-C.
Other names: c.588A>G, p.Ile196Met (NM_001257386.2, NM_001348985.1, NM_001348986.2 and 5 more transcripts); c.435A>G, p.Ile145Met (NM_001441210.1); c.378A>G, p.Ile126Met (NM_001441211.1, NM_001441212.1, NM_001441213.1); short protein forms I196M, I126M, I145M.
Identifiers: ClinVar variation 4995692 (VCV004995692.1).